The following is an entry in ClinVar:

NM_015311.3(OBSL1):c.4600A>C (p.Ser1534Arg)

Gene: OBSL1 (obscurin like cytoskeletal adaptor 1; minus strand). Cytogenetic location: 2q35.
Variant type: single nucleotide variant.
Coding change: c.4600A>C on transcript NM_015311.3 (MANE Select); coding-DNA position 4600, A replaced by C.
Protein change: p.Ser1534Arg; replaces serine 1534 with arginine.
Molecular consequence: missense variant.
Genome position (GRCh38, 1-based): chr2:219,556,029, T>G on the plus strand (A>C on the coding strand, the complement: OBSL1 is on the minus strand). VCF-style: chr2-219556029-T-G. GRCh37 (hg19) VCF-style: chr2-220420751-T-G.
Other names: c.4600A>C, p.Ser1534Arg (NM_001173431.2); short protein forms S1534R.
Identifiers: ClinVar variation 1373343 (VCV001373343.6), dbSNP rs2106023670, ClinGen allele CA350726031.
Genomic context (GRCh38, chr2:219,556,029, plus strand): 5'-AAGGCTGTGGTGTAGGGTGGGTAATGCATTAAGAGAGGACGGGGCACTCACGCCTCACGC[T>G]GAGCCTGGCCAGGGTGCGATCGTGGTGGCTCTCGCAGCCGTAGGTGCCCTGGTCGGCCAG-3'
Protein context (NP_056126.1, residues 1524-1544): SHHDRTLARL[Ser1534Arg]VRPRQLRVLR

ClinVar aggregate classification (germline): Uncertain significance (1 of 4 stars; one submission).

Submission:

Labcorp Genetics (formerly Invitae), Labcorp
Classification: Uncertain significance. Last evaluated: 2022-08-23. Review status: criteria provided, single submitter. Criteria: Invitae Variant Classification Sherloc (09022015). Collection method: clinical testing. Allele origin: germline.
Comment: Algorithms developed to predict the effect of missense changes on protein structure and function (SIFT, PolyPhen-2, Align-GVGD) all suggest that this variant is likely to be tolerated. In summary, the available evidence is currently insufficient to determine the role of this variant in disease. Therefore, it has been classified as a Variant of Uncertain Significance. ClinVar contains an entry for this variant (Variation ID: 1373343). This variant has not been reported in the literature in individuals affected with OBSL1-related conditions. This variant is not present in population databases (gnomAD no frequency). This sequence change replaces serine, which is neutral and polar, with arginine, which is basic and polar, at codon 1534 of the OBSL1 protein (p.Ser1534Arg).